The following is an entry in ClinVar:

NM_001282225.2(ADA2):c.961G>A (p.Gly321Arg)

Gene: ADA2 (adenosine deaminase 2; minus strand). Cytogenetic location: 22q11.1.
Variant type: single nucleotide variant.
Coding change: c.961G>A on transcript NM_001282225.2 (MANE Select); coding-DNA position 961, G replaced by A.
Protein change: p.Gly321Arg; replaces glycine 321 with arginine.
Molecular consequence: missense variant.
Genome position (GRCh38, 1-based): chr22:17,189,953, C>T on the plus strand (G>A on the coding strand, the complement: ADA2 is on the minus strand). VCF-style: chr22-17189953-C-T. GRCh37 (hg19) VCF-style: chr22-17670843-C-T.
Other names: c.961G>A, p.Gly321Arg (NM_001282226.2); c.835G>A, p.Gly279Arg (NM_001282227.2, NM_001282228.2); c.601G>A, p.Gly201Arg (NM_001282229.2); c.238G>A, p.Gly80Arg (NM_177405.3); short protein forms G279R, G321R, G201R, G80R.
Identifiers: ClinVar variation 2202176 (VCV002202176.1), dbSNP rs2062093862, ClinGen allele CA410233656.

ClinVar aggregate classification (germline): Uncertain significance (1 of 4 stars; one submission).

Conditions:
Deficiency of adenosine deaminase 2. Also called: Polyarteritis nodosa, childhoood-onset; Adenosine Deaminase 2 Deficiency; VASCULITIS, AUTOINFLAMMATION, IMMUNODEFICIENCY, AND HEMATOLOGIC DEFECTS SYNDROME. Identifiers: Orphanet 404553, MedGen C3887654, MONDO:0014306, OMIM 615688, MONDO:0100317.

Allele frequency attached by ClinVar (database versions not stated): TOPMed below 0.00001.

Submission:

Labcorp Genetics (formerly Invitae), Labcorp
Classification: Uncertain significance for Deficiency of adenosine deaminase 2. Last evaluated: 2022-08-20. Review status: criteria provided, single submitter. Criteria: Invitae Variant Classification Sherloc (09022015). Collection method: clinical testing. Allele origin: germline.
Comment: This sequence change replaces glycine, which is neutral and non-polar, with arginine, which is basic and polar, at codon 321 of the ADA2 protein (p.Gly321Arg). This variant is not present in population databases (gnomAD no frequency). This variant has not been reported in the literature in individuals affected with ADA2-related conditions. Algorithms developed to predict the effect of missense changes on protein structure and function (SIFT, PolyPhen-2, Align-GVGD) all suggest that this variant is likely to be disruptive. Algorithms developed to predict the effect of sequence changes on RNA splicing suggest that this variant may create or strengthen a splice site. In summary, the available evidence is currently insufficient to determine the role of this variant in disease. Therefore, it has been classified as a Variant of Uncertain Significance.